The following is an entry in ClinVar:

NM_005751.5(AKAP9):c.10363G>C (p.Glu3455Gln)

Gene: AKAP9 (A-kinase anchoring protein 9; plus strand). Cytogenetic location: 7q21.2.
Variant type: single nucleotide variant.
Coding change: c.10363G>C on transcript NM_005751.5 (MANE Select); coding-DNA position 10363, G replaced by C.
Protein change: p.Glu3455Gln; replaces glutamic acid 3455 with glutamine.
Molecular consequence: missense variant.
Genome position (GRCh38, 1-based): chr7:92,097,322, G>C. VCF-style: chr7-92097322-G-C. GRCh37 (hg19) VCF-style: chr7-91726636-G-C.
Other names: c.5008G>C, p.Glu1670Gln (NM_001379277.1); c.10339G>C, p.Glu3447Gln (NM_147185.3); short protein forms E1670Q, E3447Q, E3455Q.
Identifiers: ClinVar variation 2284168 (VCV002284168.3), dbSNP rs144170939, ClinGen allele CA368155718.

ClinVar aggregate classification (germline): Uncertain significance (1 of 4 stars; one submission).

Conditions:
Cardiovascular phenotype. Identifiers: MedGen CN230736.

gnomAD v4.1: 1 of 1,613,536 alleles (0.000062%); highest among the groups gnomAD compares: Non-Finnish European, 0.000085%; no homozygotes.

Submission:

Ambry Genetics
Classification: Uncertain significance for Cardiovascular phenotype. Last evaluated: 2026-07-13. Review status: criteria provided, single submitter. Criteria: Ambry Variant Classification Scheme 2023. Collection method: clinical testing. Allele origin: germline.
Comment: The p.E3455Q variant (also known as c.10363G>C), located in coding exon 41 of the AKAP9 gene, results from a G to C substitution at nucleotide position 10363. The glutamic acid at codon 3455 is replaced by glutamine, an amino acid with highly similar properties. This amino acid position is conserved. In addition, this alteration is predicted to be tolerated by in silico analysis. Based on the available evidence, the clinical significance of this variant remains unclear.